The following is an entry in ClinVar:

ClinVar aggregate classification (germline): Pathogenic/Likely pathogenic. Review status: criteria provided, multiple submitters, no conflicts (2 of 4 stars). 4 submissions from 4 submitters: Pathogenic (3); Likely pathogenic (1). Last evaluated 2023-03-21.

Conditions:
Frontotemporal dementia (FTD1). Also called: WILHELMSEN-LYNCH DISEASE; Frontotemporal lobe dementia (FLDEM); FRONTOTEMPORAL LOBAR DEGENERATION WITH TAU INCLUSIONS; FTLD WITH TAU INCLUSIONS; Dementia, frontotemporal, with or without parkinsonism; Frontotemporal Dementia with Parkinsonism-17 (FTDP-17). Identifiers: Orphanet 282, MedGen C0338451, MONDO:0017276, OMIM 600274, HP:0002145.
Pick disease. Also called: Pick Disease of the Brain; Pick's disease; PICK DISEASE OF BRAIN; DEMENTIA WITH LOBAR ATROPHY AND NEURONAL CYTOPLASMIC INCLUSIONS; LOBAR ATROPHY OF BRAIN. Identifiers: Orphanet 282, MedGen C0236642, MONDO:0008243, OMIM 172700.
Alzheimer disease 3 (AD3). Also called: ALZHEIMER DISEASE, FAMILIAL, 3. Identifiers: Orphanet 1020, MedGen C1843013, MONDO:0011913, OMIM 607822.
Acne inversa, familial, 3 (ACNINV3). Identifiers: MedGen C3151038, MONDO:0013398, OMIM 613737.
Alzheimer disease. Also called: Presenile and senile dementia; Alzheimer's disease. Identifiers: Orphanet 1020, MedGen C0002395, MeSH D000544, MONDO:0004975, HP:0002511.

Submissions (4):

Suna and Inan Kirac Foundation Neurodegeneration Research Laboratory, Koc University
Classification: Pathogenic for Alzheimer disease 3. Last evaluated: 2023-03-21. Review status: criteria provided, single submitter. Criteria: ACMG Guidelines, 2015. Collection method: research. Allele origin: germline. Affected: yes. Observed: 1 variant allele.

Labcorp Genetics (formerly Invitae), Labcorp
Classification: Pathogenic for Alzheimer disease 3; Pick disease; Acne inversa, familial, 3; Frontotemporal dementia. Last evaluated: 2022-08-10. Review status: criteria provided, single submitter. Criteria: Invitae Variant Classification Sherloc (09022015). Collection method: clinical testing. Allele origin: germline.
Comment: This sequence change affects an acceptor splice site in intron 8 of the PSEN1 gene. RNA analysis indicates that disruption of this splice site induces altered splicing and likely results in a shortened protein product. This variant is not present in population databases (gnomAD no frequency). Disruption of this splice site has been observed in individuals with Alzheimer disease (PMID: 9452052, 12615638, 30090657). It has also been observed to segregate with disease in related individuals. This variant is also known as c.857-1G>A or AG > AA substitution at the acceptor site of intron 9 . ClinVar contains an entry for this variant (Variation ID: 599622). Studies have shown that disruption of this splice site results in skipping of exon 9, but is expected to preserve the integrity of the reading-frame (PMID: 9452052, 12615638). For these reasons, this variant has been classified as Pathogenic.

Victorian Clinical Genetics Services, Murdoch Childrens Research Institute
Classification: Pathogenic for Alzheimer disease 3. Last evaluated: 2022-02-02. Review status: criteria provided, single submitter. Criteria: ACMG Guidelines, 2015. Collection method: clinical testing. Allele origin: germline. Inheritance: Autosomal dominant inheritance.
Comment: Based on the classification scheme VCGS_Germline_v1.3.4, this variant is classified as Pathogenic. Following criteria are met: 0104 - Dominant negative is a likely mechanism of disease in this gene and is associated with PSEN1-related disease (PMID: 29142009). (I) 0107 - This gene is associated with autosomal dominant disease. (I) 0210 - Splice site variant proven to affect splicing of the transcript with a known effect on protein sequence. This variant has been functionally proven to result in exon 9 skipping, and the formation of a cysteine residue at position 290 (p.Ser290_Ser319delinsCys). Furthermore, it was has been demonstrated that the missense variant, rather than the exon deletion, is responsible for causing protein misfunction (PMID: 9452052, PMID: 10075646). (I) 0251 - This variant is heterozygous. (I) 0301 - Variant is absent from gnomAD (both v2 and v3). (SP) 0600 - Variant affects the annotated cleavage site (UniProt). (I) 0703 - Other canonical splice variants comparable to the one identified in this case have moderate previous evidence for pathogenicity. These variants (c.869-1G>T, c.869-2A>T), have been reported as pathogenic and de novo, or observed in a family with Alzheimer’s disease (ClinVar, LOVD, PMID: 27777022). (SP) 0801 - This variant has strong previous evidence of pathogenicity in unrelated individuals. There are multiple alternative genomic changes reported (c.869-2A>G, exon 9 deletion) that have been functional proven to result in the same protein outcome (p.Ser290_Ser319delinsCys). This variant has been reported in multiple families with Alzheimer’s disease, dementia and/or spastic paraparesis (ClinVar, LOVD, PMID: 9452052, PMID: 30279455, PMID: 26194182, PMID: 28350801, PMID: 28749476, PMID: 11198283). (SP) 1002 - This variant has moderate functional evidence supporting abnormal protein function. This variant has been shown to result in defects in proteolytic processing, resulting in accumulation of uncleaved protein (PMID: 10075646). (SP) 1205 - This variant has been shown to be maternally inherited by a peer-reviewed study, where this individual's family was assessed (EOFAD-2; PMID: 12615638). (I) Legend: (SP) - Supporting pathogenic, (I) - Information, (SB) - Supporting benign

Human Genetics Group at Institute of Prion Diseases London, University College London
Classification: Likely pathogenic for Alzheimer disease type 1. Last evaluated: 2017-02-01. Review status: criteria provided, single submitter. Criteria: Koriath et al. 2018. Collection method: research. Allele origin: inherited. Affected: yes. Observed: 1 variant allele.
Comment: CADD score 26.7, not on exac, intronic mutation. Human Splice Finder predicts a broken WT site and Alteration of the WT acceptor site, most probably affecting splicing.

Confirmed by Sanger sequencing

Literature cited by the submitters: PubMed 30090657 (cited by Suna and Inan Kirac Foundation Neurodegeneration Research Laboratory, Koc University and Labcorp Genetics (formerly Invitae), Labcorp); PubMed 9452052 (cited by Labcorp Genetics (formerly Invitae), Labcorp and Victorian Clinical Genetics Services, Murdoch Childrens Research Institute); PubMed 12615638 (cited by Labcorp Genetics (formerly Invitae), Labcorp and Victorian Clinical Genetics Services, Murdoch Childrens Research Institute); PubMed 10075646 (cited by Victorian Clinical Genetics Services, Murdoch Childrens Research Institute); PubMed 11198283 (cited by Victorian Clinical Genetics Services, Murdoch Childrens Research Institute); PubMed 26194182 (cited by Victorian Clinical Genetics Services, Murdoch Childrens Research Institute); PubMed 27777022 (cited by Victorian Clinical Genetics Services, Murdoch Childrens Research Institute); PubMed 28350801 (cited by Victorian Clinical Genetics Services, Murdoch Childrens Research Institute); PubMed 28749476 (cited by Victorian Clinical Genetics Services, Murdoch Childrens Research Institute); PubMed 29142009 (cited by Victorian Clinical Genetics Services, Murdoch Childrens Research Institute); PubMed 30279455 (cited by Victorian Clinical Genetics Services, Murdoch Childrens Research Institute).

NM_000021.4(PSEN1):c.869-1G>A

Gene: PSEN1 (presenilin 1; plus strand). Cytogenetic location: 14q24.2.
Variant type: single nucleotide variant.
Coding change: c.869-1G>A on transcript NM_000021.4 (MANE Select); the canonical splice acceptor site of the intron before coding-DNA position 869, G replaced by A.
Molecular consequence: splice acceptor variant.
Genome position (GRCh38, 1-based): chr14:73,206,385, G>A. VCF-style: chr14-73206385-G-A. GRCh37 (hg19) VCF-style: chr14-73673093-G-A.
Other names: c.857-1G>A (NM_007318.3).
Identifiers: ClinVar variation 599622 (VCV000599622.9), dbSNP rs63750219, ClinGen allele CA390304669.